The following is an entry in ClinVar:

ClinVar aggregate classification (germline): Conflicting classifications of pathogenicity. Review status: criteria provided, conflicting classifications (1 of 4 stars). 4 submissions from 4 submitters: Uncertain significance (1); Benign (1); Likely benign (1). 1 of the submissions does not count toward it. Last evaluated 2025-12-01.

Conditions:
Cardiomyopathy-hypotonia-lactic acidosis syndrome (MPCD). Identifiers: Orphanet 91130, MedGen C1835845, MONDO:0012557, OMIM 610773.
SLC25A3-related disorder. Also called: SLC25A3-related condition.

gnomAD v4.1: 50 of 1,610,666 alleles (0.0031%); highest among the groups gnomAD compares: South Asian, 0.046%; 1 homozygote.

Submissions (4):

Labcorp Genetics (formerly Invitae), Labcorp
Classification: Benign. Last evaluated: 2025-12-01. Review status: criteria provided, single submitter. Criteria: Invitae Variant Classification Sherloc (09022015). Collection method: clinical testing. Allele origin: germline.

GeneDx
Classification: Likely benign. Last evaluated: 2017-04-27. Review status: criteria provided, single submitter. Criteria: GeneDx Variant Classification (06012015). Collection method: clinical testing. Allele origin: germline. Affected: yes.
Comment: This variant is considered likely benign or benign based on one or more of the following criteria: it is a conservative change, it occurs at a poorly conserved position in the protein, it is predicted to be benign by multiple in silico algorithms, and/or has population frequency not consistent with disease.

Illumina Laboratory Services, Illumina
Classification: Uncertain significance for Cardiomyopathy-hypotonia-lactic acidosis syndrome. Last evaluated: 2017-04-27. Review status: criteria provided, single submitter. Criteria: ICSL Variant Classification Criteria 13 December 2019. Collection method: clinical testing. Allele origin: germline.

PreventionGenetics, part of Exact Sciences
Classification: Likely benign for SLC25A3-related condition. Last evaluated: 2021-10-05. Review status: no assertion criteria provided. Collection method: clinical testing. Allele origin: germline. Not counted in ClinVar's aggregate classification.
Comment: This variant is classified as likely benign based on ACMG/AMP sequence variant interpretation guidelines (Richards et al. 2015 PMID: 25741868, with internal and published modifications).

NM_002635.4(SLC25A3):c.147C>A (p.Ala49=)

Gene: SLC25A3 (solute carrier family 25 member 3; plus strand). Cytogenetic location: 12q23.1.
Variant type: single nucleotide variant.
Coding change: c.147C>A on transcript NM_002635.4 (MANE Select); coding-DNA position 147, C replaced by A.
Protein change: p.Ala49=; no amino-acid change (alanine 49 retained).
Molecular consequence: synonymous variant.
Genome position (GRCh38, 1-based): chr12:98,594,125, C>A. VCF-style: chr12-98594125-C-A. GRCh37 (hg19) VCF-style: chr12-98987903-C-A.
Other names: c.147C>A, p.Ala49= (NM_005888.4, NM_213611.3).
Identifiers: ClinVar variation 508848 (VCV000508848.10), dbSNP rs370367708, ClinGen allele CA6732807.
Genomic context (GRCh38, chr12:98,594,125, plus strand): 5'-CCGCAGCAGCTCCCCAGGGCCCACGGGCCAGCCCCGCCGCCCTCGCAACCTGGCAGCCGC[C>A]GCCGTGGAAGGTGAGATCAGACCCTGCCCAATACAGTCGTGTGGTCTACTTGTGGGCCGC-3'
Protein context (NP_002626.1, residues 39-59): QPRRPRNLAA[Ala49=]AVEEYSCEFG